The following is an entry in ClinVar:

NM_000051.4(ATM):c.6839del (p.Gln2280fs)

Genes: ATM (ATM serine/threonine kinase; plus strand), C11orf65 (chromosome 11 open reading frame 65; minus strand). Cytogenetic location: 11q22.3.
Variant type: Deletion.
Coding change: c.6839del on transcript NM_000051.4 (MANE Select); coding-DNA position 6839, one base deleted (A; older notation c.6839delA).
Protein change: p.Gln2280fs; shifts the reading frame from glutamine 2280.
Molecular consequence: frameshift variant. On other transcripts: intron variant (2).
Genome position (GRCh38, 1-based): chr11:108,326,089, A deleted. VCF-style (leftmost placement, unchanged base first): chr11-108326088-CA-C. GRCh37 (hg19) VCF-style: chr11-108196815-CA-C.
Other names: c.*38+9131del (NM_001351110.2); c.6839del, p.Gln2280fs (NM_001351834.2); c.641-17018del (NM_001330368.2); c.6839delA, p.Gln2280Argfs (NM_000051.3); short protein forms Q2280fs.
Identifiers: ClinVar variation 453644 (VCV000453644.13), dbSNP rs1407907917, ClinGen allele CA658656273.

ClinVar aggregate classification (germline): Pathogenic/Likely pathogenic. Review status: criteria provided, multiple submitters, no conflicts (2 of 4 stars). 4 submissions from 4 submitters: Pathogenic (3); Likely pathogenic (1). Last evaluated 2025-03-18.

Conditions:
Familial cancer of breast. Also called: Hereditary breast cancer; BREAST CANCER, FAMILIAL; hereditary breast carcinoma. Identifiers: Orphanet 227535, MedGen C0346153, MONDO:0016419, OMIM 114480. Disease mechanism: loss of function.
Ataxia-telangiectasia syndrome (AT). Also called: LOUIS-BAR SYNDROME; Cerebello-oculocutaneous telangiectasia; Immunodeficiency with ataxia telangiectasia; Ataxia-telangiectasia, complementation group D; AT, COMPLEMENTATION GROUP C; Ataxia-telangiectasia, complementation group E. Identifiers: Orphanet 100, MedGen C0004135, MONDO:0008840, OMIM 208900.
Hereditary cancer-predisposing syndrome. Also called: Neoplastic Syndromes, Hereditary; Hereditary Cancer Syndrome; Tumor predisposition; Hereditary neoplastic syndrome. Identifiers: Orphanet 140162, MedGen C0027672, MeSH D009386, MONDO:0015356.

Allele frequency attached by ClinVar (database versions not stated): gnomAD 0.00001; TOPMed below 0.00001.

Submissions (4):

Labcorp Genetics (formerly Invitae), Labcorp
Classification: Pathogenic for Ataxia-telangiectasia syndrome. Last evaluated: 2025-03-18. Review status: criteria provided, single submitter. Criteria: Invitae Variant Classification Sherloc (09022015). Collection method: clinical testing. Allele origin: germline.
Comment: This sequence change creates a premature translational stop signal (p.Gln2280Argfs*30) in the ATM gene. It is expected to result in an absent or disrupted protein product. Loss-of-function variants in ATM are known to be pathogenic (PMID: 23807571, 25614872). This variant is not present in population databases (gnomAD no frequency). This variant has not been reported in the literature in individuals affected with ATM-related conditions. ClinVar contains an entry for this variant (Variation ID: 453644). For these reasons, this variant has been classified as Pathogenic.

Fulgent Genetics
Classification: Likely pathogenic for Familial cancer of breast; Ataxia-telangiectasia syndrome. Last evaluated: 2024-02-28. Review status: criteria provided, single submitter. Criteria: ACMG Guidelines, 2015. Collection method: clinical testing. Allele origin: germline.

Myriad Genetics, Inc.
Classification: Pathogenic for Familial cancer of breast. Last evaluated: 2024-01-30. Review status: criteria provided, single submitter. Criteria: Myriad Autosomal Dominant, Autosomal Recessive and X-Linked Classification Criteria (2023). Collection method: clinical testing. Allele origin: unknown.
Comment: This variant is considered pathogenic. This variant creates a frameshift predicted to result in premature protein truncation.

Ambry Genetics
Classification: Pathogenic for Hereditary cancer-predisposing syndrome. Last evaluated: 2021-08-02. Review status: criteria provided, single submitter. Criteria: Ambry Variant Classification Scheme 2023. Collection method: clinical testing. Allele origin: germline.
Comment: The c.6839delA pathogenic mutation, located in coding exon 46 of the ATM gene, results from a deletion of one nucleotide at nucleotide position 6839, causing a translational frameshift with a predicted alternate stop codon (p.Q2280Rfs*30). This alteration was previously reported in at least one individual from a cohort of 278 BRCA1/2-negative individuals with early-onset breast cancer via multiplex panel testing of 22 cancer susceptibility genes (Maxwell KN et al. Genet Med, 2015 Aug;17:630-8). In addition to the clinical data presented in the literature, this alteration is expected to result in loss of function by premature protein truncation or nonsense-mediated mRNA decay. As such, this alteration is interpreted as a disease-causing mutation.

Literature cited by the submitters: PubMed 23807571 (cited by Labcorp Genetics (formerly Invitae), Labcorp); PubMed 25614872 (cited by Labcorp Genetics (formerly Invitae), Labcorp); PubMed 25503501 (cited by Ambry Genetics).